The following is an entry in ClinVar:

NM_000372.5(TYR):c.253T>C (p.Tyr85His)

Gene: TYR (tyrosinase; plus strand). Cytogenetic location: 11q14.3.
Variant type: single nucleotide variant.
Coding change: c.253T>C on transcript NM_000372.5 (MANE Select); coding-DNA position 253, T replaced by C.
Protein change: p.Tyr85His; replaces tyrosine 85 with histidine.
Molecular consequence: missense variant.
Genome position (GRCh38, 1-based): chr11:89,178,206, T>C. VCF-style: chr11-89178206-T-C. GRCh37 (hg19) VCF-style: chr11-88911374-T-C.
Other names: short protein forms Y85H.
Identifiers: ClinVar variation 4077115 (VCV004077115.1).

ClinVar aggregate classification (germline): Uncertain significance (1 of 4 stars; one submission).

Conditions:
Oculocutaneous albinism type 1B (OCA1B). Also called: ALBINISM, OCULOCUTANEOUS, TYPE IB; ALBINISM, YELLOW MUTANT TYPE; YELLOW ALBINISM. Identifiers: Orphanet 352731, Orphanet 352737, Orphanet 79434, MedGen C1847024, MONDO:0011749, OMIM 606952.
Oculocutaneous albinism type 1A (OCA1A). Also called: Albinism, oculocutaneous, type IA. Identifiers: Orphanet 352731, Orphanet 79431, MedGen C4551504, MONDO:0008745, OMIM 203100. Disease mechanism: loss of function.

gnomAD v4.1: 1 of 1,614,168 alleles (0.000062%); highest among the groups gnomAD compares: Non-Finnish European, 0.000085%; no homozygotes.

Submission:

Laboratory of Genetic Epidemiology, Research Centre for Medical Genetics
Classification: Uncertain significance for Oculocutaneous albinism type 1A; Oculocutaneous albinism type 1B. Last evaluated: 2025-01-01. Review status: criteria provided, single submitter. Criteria: ACMG Guidelines, 2015. Collection method: clinical testing. Allele origin: unknown. Inheritance: Autosomal recessive inheritance. Affected: yes. Observed: 1 heterozygote.
Comment: This variant has been not previously described and is not listed in gnomAD v3.1.2. The affected amino acid position is evolutionarily conserved and located in close proximity to the glycosylation site (N86) (PMID: 12028580). Multiple in silico prediction tools support a deleterious effect. Taken together, the variant meets the following ACMG/AMP criteria and can be classified as uncertain significance with PM2, PP3, PP4 criteria.

Literature cited by the submitters: PubMed 12028580; PubMed 41428507.